The following is an entry in ClinVar:

NM_005144.5(HR):c.2504T>C (p.Val835Ala)

Gene: HR (HR lysine demethylase and nuclear receptor corepressor; minus strand). Cytogenetic location: 8p21.3.
Variant type: single nucleotide variant.
Coding change: c.2504T>C on transcript NM_005144.5 (MANE Select); coding-DNA position 2504, T replaced by C.
Protein change: p.Val835Ala; replaces valine 835 with alanine.
Molecular consequence: missense variant.
Genome position (GRCh38, 1-based): chr8:22,120,822, A>G on the plus strand (T>C on the coding strand, the complement: HR is on the minus strand). VCF-style: chr8-22120822-A-G. GRCh37 (hg19) VCF-style: chr8-21978335-A-G.
Other names: c.2504T>C, p.Val835Ala (NM_018411.4); short protein forms V835A.
Identifiers: ClinVar variation 3630905 (VCV003630905.2).

ClinVar aggregate classification (germline): Uncertain significance (1 of 4 stars; one submission).

Submission:

Labcorp Genetics (formerly Invitae), Labcorp
Classification: Uncertain significance. Last evaluated: 2025-03-03. Review status: criteria provided, single submitter. Criteria: Invitae Variant Classification Sherloc (09022015). Collection method: clinical testing. Allele origin: germline.
Comment: This sequence change replaces valine, which is neutral and non-polar, with alanine, which is neutral and non-polar, at codon 835 of the HR protein (p.Val835Ala). This variant is not present in population databases (gnomAD no frequency). This variant has not been reported in the literature in individuals affected with HR-related conditions. An algorithm developed to predict the effect of missense changes on protein structure and function (PolyPhen-2) suggests that this variant is likely to be tolerated. In summary, the available evidence is currently insufficient to determine the role of this variant in disease. Therefore, it has been classified as a Variant of Uncertain Significance.